The following is an entry in ClinVar:

NM_001370259.2(MEN1):c.1096G>T (p.Glu366Ter)

Gene: MEN1 (menin 1; minus strand). Cytogenetic location: 11q13.1.
Variant type: single nucleotide variant.
Coding change: c.1096G>T on transcript NM_001370259.2 (MANE Select); coding-DNA position 1096, G replaced by T.
Protein change: p.Glu366Ter; replaces glutamic acid 366 with a stop codon.
Molecular consequence: nonsense. On other transcripts: non-coding transcript variant (4).
Genome position (GRCh38, 1-based): chr11:64,805,724, C>A on the plus strand (G>T on the coding strand, the complement: MEN1 is on the minus strand). VCF-style: chr11-64805724-C-A. GRCh37 (hg19) VCF-style: chr11-64573196-C-A.
Other names: c.1111G>T, p.Glu371Ter (NM_000244.4, NM_001407145.1, NM_130800.3 and 4 more transcripts); c.1222G>T, p.Glu408Ter (NM_001370251.2, NM_001407142.1, NM_001407143.1 and 1 more transcripts); c.1096G>T, p.Glu366Ter (NM_001370260.2, NM_001370261.2, NM_001407146.1 and 3 more transcripts); c.991G>T, p.Glu331Ter (NM_001370262.2, NM_001370263.2, NM_001407148.1 and 1 more transcripts); c.1237G>T, p.Glu413Ter (NM_001407150.1); c.1117G>T, p.Glu373Ter (NM_001407151.1); short protein forms E413*, E371*, E408*, E331*, E366*, E373*.
Identifiers: ClinVar variation 2735650 (VCV002735650.5), dbSNP rs2497159527, ClinGen allele CA381182659.
Genomic context (GRCh38, chr11:64,805,724, plus strand): 5'-CCGCCTCCAGCAAGCTGGCTGCCTCCTTCAGCAGGTTGGGGATGACATCATTGGCTACTT[C>A]AAAGAACTCCTTGTAGATCTCCTCGTCTTCCCGGCAGTAGTTGTAGCTGTGAGAGCAGTG-3'

ClinVar aggregate classification (germline): Pathogenic. Review status: criteria provided, multiple submitters, no conflicts (2 of 4 stars). 3 submissions from 3 submitters: Pathogenic (3). Last evaluated 2024-09-04.

Conditions:
Multiple endocrine neoplasia, type 1 (MEN1). Also called: Endocrine adenomatosis multiple; MEN 1; MEA I; MEN I; WERMER SYNDROME. Identifiers: Orphanet 652, MedGen C0025267, MeSH D018761, MONDO:0007540, OMIM 131100.
Hereditary cancer-predisposing syndrome. Also called: Hereditary neoplastic syndrome; Hereditary Cancer Syndrome; Neoplastic Syndromes, Hereditary; Tumor predisposition. Identifiers: Orphanet 140162, MedGen C0027672, MeSH D009386, MONDO:0015356.

Submissions (3):

Ambry Genetics
Classification: Pathogenic for Hereditary cancer-predisposing syndrome. Last evaluated: 2024-09-04. Review status: criteria provided, single submitter. Criteria: Ambry Variant Classification Scheme 2023. Collection method: clinical testing. Allele origin: germline.
Comment: The p.E366* pathogenic mutation (also known as c.1096G>T), located in coding exon 7 of the MEN1 gene, results from a G to T substitution at nucleotide position 1096. This changes the amino acid from a glutamic acid to a stop codon within coding exon 7. This variant was reported in multiple individuals with familial hyperparathyroidism (HPT) (Takami H et al. Biomed Pharmacother, 2000 Jun;54 Suppl 1:21s-24s; Yavropoulou MP et al. J Clin Med, 2022 Apr;11). This variant is considered to be rare based on population cohorts in the Genome Aggregation Database (gnomAD). In addition to the clinical data presented in the literature, this alteration is expected to result in loss of function by premature protein truncation or nonsense-mediated mRNA decay. As such, this alteration is interpreted as a disease-causing mutation.

Quest Diagnostics Nichols Institute San Juan Capistrano
Classification: Pathogenic. Last evaluated: 2024-01-04. Review status: criteria provided, single submitter. Criteria: Quest Diagnostics criteria. Collection method: clinical testing. Allele origin: unknown.
Comment: The MEN1 c.1096G>T (p.Glu366*) variant causes the premature termination of MEN1 protein synthesis. This variant has been reported in the published literature in individuals with primary hyperparathyroidism, and segregated with the condition in one family (PMIDs: 35407574 (2022), 10914986 (2000)). This variant has not been reported in large, multi-ethnic general populations (Genome Aggregation Database). Based on the available information, this variant is classified as pathogenic.

Labcorp Genetics (formerly Invitae), Labcorp
Classification: Pathogenic for Multiple endocrine neoplasia, type 1. Last evaluated: 2023-11-22. Review status: criteria provided, single submitter. Criteria: Invitae Variant Classification Sherloc (09022015). Collection method: clinical testing. Allele origin: germline.
Comment: This sequence change creates a premature translational stop signal (p.Glu366*) in the MEN1 gene. It is expected to result in an absent or disrupted protein product. Loss-of-function variants in MEN1 are known to be pathogenic (PMID: 12112656, 17853334). This variant is not present in population databases (gnomAD no frequency). This premature translational stop signal has been observed in individual(s) with familial hyperparathyroidism (PMID: 10914986). For these reasons, this variant has been classified as Pathogenic.

Literature cited by the submitters: PubMed 10914986 (cited by 3 submitters); PubMed 35407574 (cited by Ambry Genetics and Quest Diagnostics Nichols Institute San Juan Capistrano); PubMed 12112656 (cited by Labcorp Genetics (formerly Invitae), Labcorp); PubMed 17853334 (cited by Labcorp Genetics (formerly Invitae), Labcorp).